The following is an entry in ClinVar:

NM_001458.5(FLNC):c.6369C>T (p.Pro2123=)

Genes: FLNC (filamin C; plus strand), FLNC-AS1 (FLNC antisense RNA 1; minus strand). Cytogenetic location: 7q32.1.
Variant type: single nucleotide variant.
Coding change: c.6369C>T on transcript NM_001458.5 (MANE Select); coding-DNA position 6369, C replaced by T.
Protein change: p.Pro2123=; no amino-acid change (proline 2123 retained).
Molecular consequence: synonymous variant.
Genome position (GRCh38, 1-based): chr7:128,853,722, C>T. VCF-style: chr7-128853722-C-T. GRCh37 (hg19) VCF-style: chr7-128493776-C-T.
Other names: c.6270C>T, p.Pro2090= (NM_001127487.2).
Identifiers: ClinVar variation 472131 (VCV000472131.13), dbSNP rs752728262, ClinGen allele CA4475967.
Genomic context (GRCh38, chr7:128,853,722, plus strand): 5'-GCCAGGAGGCTGGGGCTCTGAGGTTCCTGACCCACCCTTTGTCCCCACTTCAGGAAGCCC[C>T]TTCACTGTGAAGGTGACCGGCGAGGGCCGCATGAAGGAGAGCATCACCCGGCGGAGACAG-3'
Protein context (NP_001449.3, residues 2113-2133): KFADKHVPGS[Pro2123=]FTVKVTGEGR

ClinVar aggregate classification (germline): Conflicting classifications of pathogenicity. Review status: criteria provided, conflicting classifications (1 of 4 stars). 3 submissions from 3 submitters: Uncertain significance (1); Likely benign (2). Last evaluated 2024-12-23.

Conditions:
Myofibrillar myopathy 5. Also called: FILAMINOPATHY, AUTOSOMAL DOMINANT; Filaminopathy (type). Identifiers: Orphanet 171445, MedGen C1836050, MONDO:0012289, OMIM 609524.
Distal myopathy with posterior leg and anterior hand involvement. Also called: WILLIAMS DISTAL MYOPATHY. Identifiers: Orphanet 63273, MedGen C3279722, MONDO:0013550, OMIM 614065.
Hypertrophic cardiomyopathy 26. Also called: Cardiomyopathy, familial hypertrophic, 26. Identifiers: Orphanet 75249, MedGen C4310749, MONDO:0014883, OMIM 617047.
Cardiovascular phenotype. Identifiers: MedGen CN230736.

Allele frequency attached by ClinVar (database versions not stated): gnomAD exomes below 0.00001; ExAC 0.00001.
gnomAD v4.1: 2 of 1,613,944 alleles (0.00012%); highest among the groups gnomAD compares: Non-Finnish European, 0.00017%; no homozygotes.

Submissions (3):

Ambry Genetics
Classification: Uncertain significance for Cardiovascular phenotype. Last evaluated: 2024-12-23. Review status: criteria provided, single submitter. Criteria: Ambry Variant Classification Scheme 2023. Collection method: clinical testing. Allele origin: germline.
Comment: The c.6369C>T variant (also known as p.P2123P), located in coding exon 39 of the FLNC gene, results from a C to T substitution at nucleotide position 6369. This nucleotide substitution does not change the amino acid at codon 2123. This nucleotide position is poorly conserved in available vertebrate species. In silico splice site analysis for this alteration is inconclusive. Based on the available evidence, the clinical significance of this variant remains unclear.

Labcorp Genetics (formerly Invitae), Labcorp
Classification: Likely benign for Distal myopathy with posterior leg and anterior hand involvement; Myofibrillar myopathy 5; Hypertrophic cardiomyopathy 26. Last evaluated: 2020-02-17. Review status: criteria provided, single submitter. Criteria: Invitae Variant Classification Sherloc (09022015). Collection method: clinical testing. Allele origin: germline.

Blueprint Genetics
Classification: Likely benign. Last evaluated: 2019-09-26. Review status: criteria provided, single submitter. Criteria: ACMG Guidelines, 2015. Collection method: clinical testing. Allele origin: germline.